The following is an entry in ClinVar:

NM_000199.5(SGSH):c.1229A>G (p.Asp410Gly)

Gene: SGSH (N-sulfoglucosamine sulfohydrolase; minus strand). Cytogenetic location: 17q25.3.
Variant type: single nucleotide variant.
Coding change: c.1229A>G on transcript NM_000199.5 (MANE Select); coding-DNA position 1229, A replaced by G.
Protein change: p.Asp410Gly; replaces aspartic acid 410 with glycine.
Molecular consequence: missense variant. On other transcripts: 3 prime UTR variant (2), non-coding transcript variant (1).
Genome position (GRCh38, 1-based): chr17:80,210,732, T>C on the plus strand (A>G on the coding strand, the complement: SGSH is on the minus strand). VCF-style: chr17-80210732-T-C. GRCh37 (hg19) VCF-style: chr17-78184531-T-C.
Other names: c.*316A>G (NM_001352921.3); c.*279A>G (NM_001352922.2); short protein forms D410G.
Identifiers: ClinVar variation 1430689 (VCV001430689.5), dbSNP rs748612821, ClinGen allele CA8817644.
Genomic context (GRCh38, chr17:80,210,732, plus strand): 5'-TAATGACGGAGGTCCTTGTACCAGCCCGTGGGCTGACCAGCTGTGGTGCGGTTCAGGAGG[T>C]CCTGGAAGGTGGGTGAGACGTAGAAGTCCTGGTCGATGGGAAAGGGCATCTTGAAGTTGA-3'
Protein context (NP_000190.1, residues 400-420): QDFYVSPTFQ[Asp410Gly]LLNRTTAGQP

ClinVar aggregate classification (germline): Uncertain significance (1 of 4 stars; one submission).

Conditions:
Mucopolysaccharidosis, MPS-III-A (MPS3A). Also called: HEPARAN SULFATE SULFATASE DEFICIENCY; SANFILIPPO SYNDROME A; SULFAMIDASE DEFICIENCY; MPS III A; MPS IIIA (Sanfilippo Syndrome Type A); Mucopolysaccharidosis type IIIA (Sanfilippo A). Identifiers: Orphanet 581, Orphanet 79269, MedGen C0086647, MONDO:0009655, OMIM 252900.

Allele frequency attached by ClinVar (database versions not stated): TOPMed below 0.00001; ExAC 0.00001; gnomAD 0.00001; gnomAD exomes below 0.00001.
gnomAD v4.1: 3 of 1,613,702 alleles (0.00019%); highest among the groups gnomAD compares: Middle Eastern, 0.016%; no homozygotes.

Submission:

Labcorp Genetics (formerly Invitae), Labcorp
Classification: Uncertain significance for Mucopolysaccharidosis, MPS-III-A. Last evaluated: 2022-06-27. Review status: criteria provided, single submitter. Criteria: Invitae Variant Classification Sherloc (09022015). Collection method: clinical testing. Allele origin: germline.
Comment: This sequence change replaces aspartic acid, which is acidic and polar, with glycine, which is neutral and non-polar, at codon 410 of the SGSH protein (p.Asp410Gly). This variant is present in population databases (rs748612821, gnomAD 0.01%). This variant has not been reported in the literature in individuals affected with SGSH-related conditions. Advanced modeling of protein sequence and biophysical properties (such as structural, functional, and spatial information, amino acid conservation, physicochemical variation, residue mobility, and thermodynamic stability) performed at Invitae indicates that this missense variant is expected to disrupt SGSH protein function. In summary, the available evidence is currently insufficient to determine the role of this variant in disease. Therefore, it has been classified as a Variant of Uncertain Significance.